The following is an entry in ClinVar:

ClinVar aggregate classification (germline): Uncertain significance (1 of 4 stars; one submission).

Conditions:
Developmental delay, impaired speech, and behavioral abnormalities, with or without seizures (DEDISB). Identifiers: MedGen C5575272, MONDO:0859263, OMIM 619964.

Submission:

Institute of Human Genetics, University of Goettingen
Classification: Uncertain significance for Developmental delay, impaired speech, and behavioral abnormalities, with or without seizures. Last evaluated: 2025-01-13. Review status: criteria provided, single submitter. Criteria: ACMG Guidelines, 2015. Collection method: clinical testing. Allele origin: unknown. Inheritance: Autosomal dominant inheritance. Affected: yes. Observed: 1 heterozygote.
Comment: The variant c.2698+5G>A (p.?) in intron 18 of the ARFGEF1-gene is not found in the gnomAD database. It affects a highly conserved nucleotide. This variant has a pathogenic computational verdict based on in silico prediction algorithms (Alteration of the consensus splice site). ACMG criteria used for classification: PM2_sup, PP3

NM_006421.5(ARFGEF1):c.2698+5G>A

Gene: ARFGEF1 (ARF guanine nucleotide exchange factor 1; minus strand). Cytogenetic location: 8q13.2.
Variant type: single nucleotide variant.
Coding change: c.2698+5G>A on transcript NM_006421.5 (MANE Select); 5 bases into the intron after coding-DNA position 2698, G replaced by A.
Molecular consequence: intron variant.
Genome position (GRCh38, 1-based): chr8:67,253,446, C>T on the plus strand (G>A on the coding strand, the complement: ARFGEF1 is on the minus strand). VCF-style: chr8-67253446-C-T. GRCh37 (hg19) VCF-style: chr8-68165681-C-T.
Other names: c.2698+5G>A (NM_001413185.1, NM_001413184.1, NM_001413190.1 and 7 more transcripts); c.2098+5G>A (NM_001413188.1, NM_001413197.1, NM_001413193.1); c.1273+5G>A (NM_001413196.1).
Identifiers: ClinVar variation 4082091 (VCV004082091.1).